The following is an entry in ClinVar:

ClinVar aggregate classification (germline): Pathogenic. Review status: criteria provided, multiple submitters, no conflicts (2 of 4 stars). 3 submissions from 3 submitters: Pathogenic (2). 1 of the submissions does not count toward it. Last evaluated 2023-07-27.

Conditions:
Autosomal recessive polycystic kidney disease (ARPKD). Also called: AR polycystic kidney disease. Identifiers: Orphanet 731, Orphanet 8378, MedGen C0085548, MeSH D017044, MONDO:0009889.
Polycystic kidney disease 4 (PKD4). Also called: POLYCYSTIC KIDNEY DISEASE 4 WITH OR WITHOUT POLYCYSTIC LIVER DISEASE; POLYCYSTIC KIDNEY AND HEPATIC DISEASE 1; POLYCYSTIC KIDNEY DISEASE, INFANTILE, TYPE I; Autosomal Recessive Polycystic Kidney Disease – PKHD1; PKD3. Identifiers: MedGen C4540575, MONDO:0033004, OMIM 263200.

Submissions (3):

Labcorp Genetics (formerly Invitae), Labcorp
Classification: Pathogenic for Autosomal recessive polycystic kidney disease. Last evaluated: 2023-07-27. Review status: criteria provided, single submitter. Criteria: Invitae Variant Classification Sherloc (09022015). Collection method: clinical testing. Allele origin: germline.
Comment: ClinVar contains an entry for this variant (Variation ID: 917957). For these reasons, this variant has been classified as Pathogenic. This sequence change creates a premature translational stop signal (p.Ser1921Thrfs*15) in the PKHD1 gene. It is expected to result in an absent or disrupted protein product. Loss-of-function variants in PKHD1 are known to be pathogenic (PMID: 19940839). This variant is not present in population databases (gnomAD no frequency). This premature translational stop signal has been observed in individual(s) with polycystic kidney disease (PMID: 27225849).

Juno Genomics, Hangzhou Juno Genomics, Inc
Classification: Pathogenic for Polycystic kidney disease 4. Review status: criteria provided, single submitter. Criteria: ACMG Guidelines, 2015. Collection method: clinical testing. Allele origin: germline.
Comment: Null variant in a gene where loss of function (LOF) is a known mechanism of disease.;Absent from controls (or at extremely low frequency if recessive) in Genome Aggregation Database.;For recessive disorders, detected in trans with a pathogenic variant.;Patient's phenotype or family history is highly specific for a disease with a single genetic etiology.

Genomic Medicine Center of Excellence, King Faisal Specialist Hospital and Research Centre
Classification: Likely pathogenic for Polycystic kidney disease 4. Review status: no assertion criteria provided. Collection method: research. Allele origin: germline. Affected: yes. Not counted in ClinVar's aggregate classification.

Literature cited by the submitters: PubMed 19940839 (cited by Labcorp Genetics (formerly Invitae), Labcorp); PubMed 27225849 (cited by Labcorp Genetics (formerly Invitae), Labcorp).

NM_138694.4(PKHD1):c.5761_5765del (p.Ser1921fs)

Gene: PKHD1 (PKHD1 ciliary IPT domain containing fibrocystin/polyductin; minus strand). Cytogenetic location: 6p12.2.
Variant type: Deletion.
Coding change: c.5761_5765del on transcript NM_138694.4 (MANE Select); coding-DNA positions 5761 to 5765, 5 bases deleted (TCTTT; older notation c.5761_5765delTCTTT).
Protein change: p.Ser1921fs; shifts the reading frame from serine 1921.
Molecular consequence: frameshift variant.
Genome position (GRCh38, 1-based): chr6:51,960,013-51,960,017, AAAGA deleted on the plus strand (TCTTT on the coding strand, the reverse complement: PKHD1 is on the minus strand); deleting any 5 consecutive bases within chr6:51,960,013-51,960,021 gives the same sequence; the c. name uses the placement nearest the transcript's 3' end. VCF-style (leftmost placement, unchanged base first): chr6-51960012-TAAAGA-T. GRCh37 (hg19) VCF-style: chr6-51824810-TAAAGA-T.
Other names: c.5761_5765del, p.Ser1921fs (NM_170724.3); short protein forms S1921fs.
Identifiers: ClinVar variation 917957 (VCV000917957.7), dbSNP rs1791765505, ClinGen allele CA1139659625.